The following is an entry in ClinVar:

NM_001323289.2(CDKL5):c.549dup (p.Leu184fs)

Gene: CDKL5 (cyclin dependent kinase like 5; plus strand). Cytogenetic location: Xp22.13.
Variant type: Duplication.
Coding change: c.549dup on transcript NM_001323289.2 (MANE Select); coding-DNA position 549, one base duplicated (A; older notation c.549dupA).
Protein change: p.Leu184fs; shifts the reading frame from leucine 184.
Molecular consequence: frameshift variant.
Genome position (GRCh38, 1-based): chrX:18,584,348, A duplicated. VCF-style (leftmost placement, unchanged base first): chrX-18584347-T-TA. GRCh37 (hg19) VCF-style: chrX-18602467-T-TA.
Other names: NM_001323289.2(CDKL5):c.549dup; p.Leu184fs; c.549dup, p.Leu184fs (NM_001037343.2, NM_003159.3); c.549dupA (NM_003159.2); short protein forms L184fs.
Identifiers: ClinVar variation 143825 (VCV000143825.7), dbSNP rs267608497, ClinGen allele CA205919.

ClinVar aggregate classification (germline): Pathogenic. Review status: criteria provided, multiple submitters, no conflicts (2 of 4 stars). 3 submissions from 3 submitters: Pathogenic (2). 1 of the submissions does not count toward it. Last evaluated 2024-09-23.

Conditions:
CDKL5 disorder. Identifiers: MedGen CN296942, MONDO:0100039.
Developmental and epileptic encephalopathy, 2 (DEE2). Also called: INFANTILE SPASM SYNDROME, X-LINKED 2; CDKL5 deficiency disorder. Identifiers: Orphanet 1934, Orphanet 3451, Orphanet 505652, MedGen C4750718, MONDO:0010396, OMIM 300672.

Submissions (3):

Centre for Population Genomics, CPG
Classification: Pathogenic for CDKL5 disorder. Last evaluated: 2024-09-23. Review status: criteria provided, single submitter. Criteria: McKnight et al. (Hum Mutat. 2022). Collection method: curation. Allele origin: germline. Inheritance: X-linked inheritance.
Comment: This variant has been collected from RettBASE and curated to current modified ACMG/AMP criteria. Based on the classification scheme defined by the ClinGen Rett/Angelman-like Expert Panel for Rett/AS-like Disorders Specifications to the ACMG/AMP Variant Interpretation Guidelines VCEP 3.0, this variant is classified as pathogenic. At least the following criteria are met: Predicted to result in loss of function, and LOF is a known mechanism of disease (PVS1). This variant is absent from gnomAD (PM2_Supporting). Has been observed in at least 2 individuals with phenotypes consistent with CDKL5 disorder (PS4_Supporting, PMID: 23828526, ClinVar ID: 143825).

Genetic Services Laboratory, University of Chicago
Classification: Pathogenic for Epileptic encephalopathy, early infantile, 2. Last evaluated: 2013-02-08. Review status: criteria provided, single submitter. Criteria: ACMG Guidelines, 2007. Collection method: clinical testing. Allele origin: germline. Affected: yes.

RettBASE
Classification: Pathogenic. Last evaluated: 2011-02-15. Review status: no assertion criteria provided. Collection method: research. Allele origin: unknown. Not counted in ClinVar's aggregate classification.